The following is an entry in ClinVar:

ClinVar aggregate classification (germline): Conflicting classifications of pathogenicity. Review status: criteria provided, conflicting classifications (1 of 4 stars). 2 submissions from 2 submitters: Uncertain significance (1); Likely benign (1). Last evaluated 2025-12-08.

Conditions:
Hereditary cancer-predisposing syndrome. Also called: Tumor predisposition; Hereditary Cancer Syndrome; Hereditary neoplastic syndrome; Neoplastic Syndromes, Hereditary. Identifiers: Orphanet 140162, MedGen C0027672, MeSH D009386, MONDO:0015356.

Allele frequency attached by ClinVar (database versions not stated): gnomAD exomes below 0.00001; ExAC 0.00001; gnomAD 0.00001.
gnomAD v4.1: 3 of 1,614,054 alleles (0.00019%); highest among the groups gnomAD compares: South Asian, 0.0022%; no homozygotes.

Submissions (2):

Labcorp Genetics (formerly Invitae), Labcorp
Classification: Uncertain significance. Last evaluated: 2025-12-08. Review status: criteria provided, single submitter. Criteria: Invitae Variant Classification Sherloc (09022015). Collection method: clinical testing. Allele origin: germline.
Comment: This sequence change replaces alanine, which is neutral and non-polar, with threonine, which is neutral and polar, at codon 111 of the HOXB13 protein (p.Ala111Thr). This variant is present in population databases (rs745889927, gnomAD 0.003%). This variant has not been reported in the literature in individuals affected with HOXB13-related conditions. ClinVar contains an entry for this variant (Variation ID: 1445382). Invitae Evidence Modeling of protein sequence and biophysical properties (such as structural, functional, and spatial information, amino acid conservation, physicochemical variation, residue mobility, and thermodynamic stability) indicates that this missense variant is not expected to disrupt HOXB13 protein function with a negative predictive value of 80%. In summary, the available evidence is currently insufficient to determine the role of this variant in disease. Therefore, it has been classified as a Variant of Uncertain Significance.

Ambry Genetics
Classification: Likely benign for Hereditary cancer-predisposing syndrome. Last evaluated: 2025-04-02. Review status: criteria provided, single submitter. Criteria: Ambry Variant Classification Scheme 2023. Collection method: clinical testing. Allele origin: germline.

NM_006361.6(HOXB13):c.331G>A (p.Ala111Thr)

Gene: HOXB13 (homeobox B13; minus strand). Cytogenetic location: 17q21.32.
Variant type: single nucleotide variant.
Coding change: c.331G>A on transcript NM_006361.6 (MANE Select); coding-DNA position 331, G replaced by A.
Protein change: p.Ala111Thr; replaces alanine 111 with threonine.
Molecular consequence: missense variant.
Genome position (GRCh38, 1-based): chr17:48,728,263, C>T on the plus strand (G>A on the coding strand, the complement: HOXB13 is on the minus strand). VCF-style: chr17-48728263-C-T. GRCh37 (hg19) VCF-style: chr17-46805625-C-T.
Other names: c.331G>A (NM_006361.5); short protein forms A111T.
Identifiers: ClinVar variation 1445382 (VCV001445382.9), dbSNP rs745889927, ClinGen allele CA8634009.